The following is an entry in ClinVar:

NM_152594.3(SPRED1):c.241A>G (p.Ile81Val)

Gene: SPRED1 (sprouty related EVH1 domain containing 1; plus strand). Cytogenetic location: 15q14.
Variant type: single nucleotide variant.
Coding change: c.241A>G on transcript NM_152594.3 (MANE Select); coding-DNA position 241, A replaced by G.
Protein change: p.Ile81Val; replaces isoleucine 81 with valine.
Molecular consequence: missense variant.
Genome position (GRCh38, 1-based): chr15:38,322,274, A>G. VCF-style: chr15-38322274-A-G. GRCh37 (hg19) VCF-style: chr15-38614475-A-G.
Other names: c.241A>G (NM_152594.2); short protein forms I81V.
Identifiers: ClinVar variation 1989832 (VCV001989832.5), dbSNP rs2542695537, ClinGen allele CA391931954.

ClinVar aggregate classification (germline): Uncertain significance. Review status: criteria provided, multiple submitters, no conflicts (2 of 4 stars). 2 submissions from 2 submitters: Uncertain significance (2). Last evaluated 2025-02-12.

Conditions:
Legius syndrome. Identifiers: Orphanet 137605, MedGen C1969623, MONDO:0012669, OMIM 611431. Disease mechanism: loss of function.
Cardiovascular phenotype. Identifiers: MedGen CN230736.

Allele frequency attached by ClinVar (database versions not stated): gnomAD exomes below 0.00001.
gnomAD v4.1: 5 of 1,613,860 alleles (0.00031%); highest among the groups gnomAD compares: Middle Eastern, 0.017%; no homozygotes.

Submissions (2):

Labcorp Genetics (formerly Invitae), Labcorp
Classification: Uncertain significance for Legius syndrome. Last evaluated: 2025-02-12. Review status: criteria provided, single submitter. Criteria: Invitae Variant Classification Sherloc (09022015). Collection method: clinical testing. Allele origin: germline.
Comment: This sequence change replaces isoleucine, which is neutral and non-polar, with valine, which is neutral and non-polar, at codon 81 of the SPRED1 protein (p.Ile81Val). This variant is not present in population databases (gnomAD no frequency). This variant has not been reported in the literature in individuals affected with SPRED1-related conditions. ClinVar contains an entry for this variant (Variation ID: 1989832). Invitae Evidence Modeling of protein sequence and biophysical properties (such as structural, functional, and spatial information, amino acid conservation, physicochemical variation, residue mobility, and thermodynamic stability) indicates that this missense variant is not expected to disrupt SPRED1 protein function with a negative predictive value of 80%. In summary, the available evidence is currently insufficient to determine the role of this variant in disease. Therefore, it has been classified as a Variant of Uncertain Significance.

Ambry Genetics
Classification: Uncertain significance for Cardiovascular phenotype. Last evaluated: 2024-06-17. Review status: criteria provided, single submitter. Criteria: Ambry Variant Classification Scheme 2023. Collection method: clinical testing. Allele origin: germline.
Comment: The p.I81V variant (also known as c.241A>G), located in coding exon 3 of the SPRED1 gene, results from an A to G substitution at nucleotide position 241. The isoleucine at codon 81 is replaced by valine, an amino acid with highly similar properties. This amino acid position is conserved. In addition, this alteration is predicted to be tolerated by in silico analysis. Based on the available evidence, the clinical significance of this variant remains unclear.